The following is an entry in ClinVar:

ClinVar aggregate classification (germline): Uncertain significance (1 of 4 stars; one submission).

Allele frequency attached by ClinVar (database versions not stated): gnomAD 0.00001; TOPMed 0.00001; ESP Exome Variant Server 0.00008.
gnomAD v4.1: 1 of 1,613,432 alleles (0.000062%); highest among the groups gnomAD compares: Non-Finnish European, 0.000085%; no homozygotes.

Submission:

Labcorp Genetics (formerly Invitae), Labcorp
Classification: Uncertain significance. Last evaluated: 2023-05-15. Review status: criteria provided, single submitter. Criteria: Invitae Variant Classification Sherloc (09022015). Collection method: clinical testing. Allele origin: germline.
Comment: In summary, the available evidence is currently insufficient to determine the role of this variant in disease. Therefore, it has been classified as a Variant of Uncertain Significance. Algorithms developed to predict the effect of missense changes on protein structure and function output the following: SIFT: "Not Available"; PolyPhen-2: "Benign"; Align-GVGD: "Not Available". The isoleucine amino acid residue is found in multiple mammalian species, which suggests that this missense change does not adversely affect protein function. This variant has not been reported in the literature in individuals affected with C6-related conditions. This variant is not present in population databases (gnomAD no frequency). This sequence change replaces valine, which is neutral and non-polar, with isoleucine, which is neutral and non-polar, at codon 400 of the C6 protein (p.Val400Ile).

NM_000065.5(C6):c.1198G>A (p.Val400Ile)

Gene: C6 (complement C6; minus strand). Cytogenetic location: 5p13.1.
Variant type: single nucleotide variant.
Coding change: c.1198G>A on transcript NM_000065.5 (MANE Select); coding-DNA position 1198, G replaced by A.
Protein change: p.Val400Ile; replaces valine 400 with isoleucine.
Molecular consequence: missense variant.
Genome position (GRCh38, 1-based): chr5:41,172,318, C>T on the plus strand (G>A on the coding strand, the complement: C6 is on the minus strand). VCF-style: chr5-41172318-C-T. GRCh37 (hg19) VCF-style: chr5-41172420-C-T.
Other names: c.1198G>A, p.Val400Ile (NM_001115131.4); short protein forms V400I.
Identifiers: ClinVar variation 2804430 (VCV002804430.3), dbSNP rs149583975, ClinGen allele CA117768072.
Genomic context (GRCh38, chr5:41,172,318, plus strand): 5'-ACCTATGTTCCACTTTTGTTTTCTTAGCAAATAAAACGCGTTTCTTTGTTTCAATCCTGA[C>T]ACAGTGTTTGGCTTCTTCCTCGGTTAAACCTAGGAGATGAAGTACAAACAGAAACCACTG-3'
Protein context (NP_000056.2, residues 390-410): GLTEEEAKHC[Val400Ile]RIETKKRVLF